The following is an entry in ClinVar:

NM_012193.4(FZD4):c.118G>C (p.Glu40Gln)

Gene: FZD4 (frizzled class receptor 4; minus strand). Cytogenetic location: 11q14.2.
Variant type: single nucleotide variant.
Coding change: c.118G>C on transcript NM_012193.4 (MANE Select); coding-DNA position 118, G replaced by C.
Protein change: p.Glu40Gln; replaces glutamic acid 40 with glutamine.
Molecular consequence: missense variant.
Genome position (GRCh38, 1-based): chr11:86,954,968, C>G on the plus strand (G>C on the coding strand, the complement: FZD4 is on the minus strand). VCF-style: chr11-86954968-C-G. GRCh37 (hg19) VCF-style: chr11-86666010-C-G.
Other names: c.118G>C (NM_012193.3); short protein forms E40Q.
Identifiers: ClinVar variation 285877 (VCV000285877.17), dbSNP rs139401671, ClinGen allele CA6218524.
Genomic context (GRCh38, chr11:86,954,968, plus strand): 5'-CGTTGTAGCCGAGGTTCTGGCACATGGAGATGCGGATGGGGTCGCAGCGCCGCTCTTCCT[C>G]GTCCCCGAAGCCCCGCGCCGGCCCCAGGAGCAGCAGCAACTGCAGGAGCAACCCCAGACT-3'
Protein context (NP_036325.2, residues 30-50): LLGPARGFGD[Glu40Gln]EERRCDPIRI

ClinVar aggregate classification (germline): Conflicting classifications of pathogenicity. Review status: criteria provided, conflicting classifications (1 of 4 stars). 5 submissions from 5 submitters: Uncertain significance (2); Likely benign (3). Last evaluated 2026-01-08.

Conditions:
FZD4-related disorder. Also called: FZD4-related condition.

Allele frequency attached by ClinVar (database versions not stated): gnomAD 0.00025 and 0.00031; gnomAD exomes 0.00029 and 0.00030; ExAC 0.00030; TOPMed 0.00031; 1000 Genomes Project 0.00040; ESP Exome Variant Server 0.00046; 1000 Genomes Project 30x 0.00047.
gnomAD v4.1: 486 of 1,613,484 alleles (0.03%); highest among the groups gnomAD compares: South Asian, 0.13%; 3 homozygotes.

Submissions (5):

Labcorp Genetics (formerly Invitae), Labcorp
Classification: Likely benign. Last evaluated: 2026-01-08. Review status: criteria provided, single submitter. Criteria: Invitae Variant Classification Sherloc (09022015). Collection method: clinical testing. Allele origin: germline.

PreventionGenetics, part of Exact Sciences
Classification: Likely benign for FZD4-related condition. Last evaluated: 2024-11-27. Review status: criteria provided, single submitter. Criteria: ACMG Guidelines, 2015. Collection method: clinical testing. Allele origin: germline.
Comment: This variant is classified as likely benign based on ACMG/AMP sequence variant interpretation guidelines (Richards et al. 2015 PMID: 25741868, with internal and published modifications).

Blueprint Genetics
Classification: Likely benign. Last evaluated: 2024-09-20. Review status: criteria provided, single submitter. Criteria: ACMG Guidelines, 2015. Collection method: clinical testing. Allele origin: germline.

GeneDx
Classification: Uncertain significance. Last evaluated: 2023-12-09. Review status: criteria provided, single submitter. Criteria: GeneDx Variant Classification Process June 2021. Collection method: clinical testing. Allele origin: germline. Affected: yes.
Comment: Reported in one patient with familial exudative vitreoretinopathy (FEVR) who also harbors a splice site variant in the LRP5 gene (PMID: 20340138); In silico analysis supports that this missense variant does not alter protein structure/function; This variant is associated with the following publications: (PMID: 27884173, 20340138)

Eurofins Ntd Llc (ga)
Classification: Uncertain significance. Last evaluated: 2017-10-31. Review status: criteria provided, single submitter. Criteria: EGL Classification Definitions 2015. Collection method: clinical testing. Allele origin: germline. Observed: 2 variant alleles, 2 heterozygotes.